The following is an entry in ClinVar:

ClinVar aggregate classification (germline): Conflicting classifications of pathogenicity. Review status: criteria provided, conflicting classifications (1 of 4 stars). 3 submissions from 3 submitters: Uncertain significance (2); Likely benign (1). Last evaluated 2026-08-14.

Conditions:
Cardiovascular phenotype. Identifiers: MedGen CN230736.
DSP-related disorder. Also called: DSP-related disorders; DSP-related condition.
Arrhythmogenic cardiomyopathy with wooly hair and keratoderma. Also called: Carvajal syndrome; Dilated cardiomyopathy with woolly hair and keratoderma; PALMOPLANTAR KERATODERMA WITH LEFT VENTRICULAR CARDIOMYOPATHY AND WOOLLY HAIR; Arrhythmogenic cardiomyopathy with woolly hair and keratoderma. Identifiers: Orphanet 65282, MedGen C1854063, MONDO:0011581, OMIM 605676.
Arrhythmogenic right ventricular dysplasia 8 (ARVD8). Also called: Arrhythmogenic Right Ventricular Dysplasia/Cardiomyopathy 8; ARRHYTHMOGENIC RIGHT VENTRICULAR DYSPLASIA, FAMILIAL, 8; ARRHYTHMOGENIC RIGHT VENTRICULAR CARDIOMYOPATHY 8. Identifiers: MedGen C1843896, MONDO:0011831, OMIM 607450.

Allele frequency attached by ClinVar (database versions not stated): gnomAD exomes below 0.00001; gnomAD 0.00001; TOPMed 0.00002.
gnomAD v4.1: 3 of 1,613,914 alleles (0.00019%); highest among the groups gnomAD compares: Admixed American, 0.0017%; no homozygotes.

Submissions (3):

PreventionGenetics, part of Exact Sciences
Classification: Uncertain significance for DSP-related condition. Last evaluated: 2026-08-14. Review status: criteria provided, single submitter. Criteria: ACMG Guidelines, 2015. Collection method: clinical testing. Allele origin: germline.
Comment: The DSP c.8087T>C variant is predicted to result in the amino acid substitution p.Ile2696Thr. To our knowledge, this variant has not been reported in the literature. This variant is reported in 0.0029% of alleles in individuals of Latino descent in gnomAD. At this time, the clinical significance of this variant is uncertain due to the absence of conclusive functional and genetic evidence.

Labcorp Genetics (formerly Invitae), Labcorp
Classification: Likely benign for Arrhythmogenic cardiomyopathy with wooly hair and keratoderma; Arrhythmogenic right ventricular dysplasia 8. Last evaluated: 2025-10-13. Review status: criteria provided, single submitter. Criteria: Invitae Variant Classification Sherloc (09022015). Collection method: clinical testing. Allele origin: germline.

Ambry Genetics
Classification: Uncertain significance for Cardiovascular phenotype. Last evaluated: 2021-06-11. Review status: criteria provided, single submitter. Criteria: Ambry Variant Classification Scheme 2023. Collection method: clinical testing. Allele origin: germline.

NM_004415.4(DSP):c.8087T>C (p.Ile2696Thr)

Gene: DSP (desmoplakin; plus strand). Cytogenetic location: 6p24.3.
Variant type: single nucleotide variant.
Coding change: c.8087T>C on transcript NM_004415.4 (MANE Select); coding-DNA position 8087, T replaced by C.
Protein change: p.Ile2696Thr; replaces isoleucine 2696 with threonine.
Molecular consequence: missense variant.
Genome position (GRCh38, 1-based): chr6:7,585,349, T>C. VCF-style: chr6-7585349-T-C. GRCh37 (hg19) VCF-style: chr6-7585582-T-C.
Other names: c.6290T>C, p.Ile2097Thr (NM_001008844.3); c.6758T>C, p.Ile2253Thr (NM_001319034.2); c.8087T>C (NM_004415.3); short protein forms I2253T, I2097T, I2696T.
Identifiers: ClinVar variation 846161 (VCV000846161.12), dbSNP rs1415854040, ClinGen allele CA362694407.
Genomic context (GRCh38, chr6:7,585,349, plus strand): 5'-CCCAGGGTGTGATTGACCAAGACATGGCCACCAGGCTGAAGCCTGCTCAGAAAGCCTTCA[T>C]AGGCTTCGAGGGTGTGAAGGGAAAGAAGAAGATGTCAGCAGCAGAGGCAGTGAAAGAAAA-3'
Protein context (NP_004406.2, residues 2686-2706): TRLKPAQKAF[Ile2696Thr]GFEGVKGKKK